The following is an entry in ClinVar:

ClinVar aggregate classification (germline): Pathogenic (1 of 4 stars; one submission).

Conditions:
Genitopatellar syndrome (GTPTS). Also called: ABSENT PATELLAE, SCROTAL HYPOPLASIA, RENAL ANOMALIES, FACIAL DYSMORPHISM, AND MENTAL RETARDATION; Genitopatellar syndrome (GPS). Identifiers: Orphanet 85201, MedGen C1853566, MONDO:0011640, OMIM 606170.

Submission:

Labcorp Genetics (formerly Invitae), Labcorp
Classification: Pathogenic for Genitopatellar syndrome. Last evaluated: 2022-04-09. Review status: criteria provided, single submitter. Criteria: Invitae Variant Classification Sherloc (09022015). Collection method: clinical testing. Allele origin: germline.
Comment: This sequence change creates a premature translational stop signal (p.Glu1057Glyfs*10) in the KAT6B gene. It is expected to result in an absent or disrupted protein product. Loss-of-function variants in KAT6B are known to be pathogenic (PMID: 22077973, 23436491, 25424711). This variant is not present in population databases (gnomAD no frequency). This variant has not been reported in the literature in individuals affected with KAT6B-related conditions. For these reasons, this variant has been classified as Pathogenic.

Literature cited by the submitters: PubMed 22077973; PubMed 23436491; PubMed 25424711.

NM_012330.4(KAT6B):c.3169dup (p.Glu1057fs)

Gene: KAT6B (lysine acetyltransferase 6B; plus strand). Cytogenetic location: 10q22.2.
Variant type: Duplication.
Coding change: c.3169dup on transcript NM_012330.4 (MANE Select); coding-DNA position 3169, one base duplicated (G; older notation c.3169dupG).
Protein change: p.Glu1057fs; shifts the reading frame from glutamic acid 1057.
Molecular consequence: frameshift variant.
Genome position (GRCh38, 1-based): chr10:75,022,028, G duplicated; the last of 4 consecutive G bases (chr10:75,022,025-75,022,028); duplicating any one gives the same sequence. VCF-style (leftmost placement, unchanged base first): chr10-75022024-A-AG. GRCh37 (hg19) VCF-style: chr10-76781782-A-AG.
Other names: c.2620dup, p.Glu874fs (NM_001256468.2, NM_001370138.1); c.2293dup, p.Glu765fs (NM_001256469.2, NM_001370139.1, NM_001370140.1 and 2 more transcripts); c.2131dup, p.Glu711fs (NM_001370132.1); c.1480dup, p.Glu494fs (NM_001370133.1); c.1084dup, p.Glu362fs (NM_001370134.1); c.826dup, p.Glu276fs (NM_001370135.1); c.3169dup, p.Glu1057fs (NM_001370136.1, NM_001370137.1); c.2104dup, p.Glu702fs (NM_001370143.1, NM_001370144.1); short protein forms E276fs, E765fs, E874fs, E1057fs, E362fs, E711fs, E494fs, E702fs.
Identifiers: ClinVar variation 2123423 (VCV002123423.4), dbSNP rs2549169285, ClinGen allele CA2580081964.